The following is an entry in ClinVar:

NM_057175.5(NAA15):c.2573A>G (p.Glu858Gly)

Gene: NAA15 (N-alpha-acetyltransferase 15, NatA auxiliary subunit; plus strand). Cytogenetic location: 4q31.1.
Variant type: single nucleotide variant.
Coding change: c.2573A>G on transcript NM_057175.5 (MANE Select); coding-DNA position 2573, A replaced by G.
Protein change: p.Glu858Gly; replaces glutamic acid 858 with glycine.
Molecular consequence: missense variant.
Genome position (GRCh38, 1-based): chr4:139,388,056, A>G. VCF-style: chr4-139388056-A-G. GRCh37 (hg19) VCF-style: chr4-140309210-A-G.
Other names: c.2570A>G, p.Glu857Gly (NM_001410842.1); c.*982A>G (NM_025085.2); short protein forms E857G, E858G.
Identifiers: ClinVar variation 2805364 (VCV002805364.3), dbSNP rs868484703, ClinGen allele CA106688794.

ClinVar aggregate classification (germline): Uncertain significance (1 of 4 stars; one submission).

Allele frequency attached by ClinVar (database versions not stated): gnomAD exomes below 0.00001.

Submission:

Labcorp Genetics (formerly Invitae), Labcorp
Classification: Uncertain significance. Last evaluated: 2025-02-15. Review status: criteria provided, single submitter. Criteria: Invitae Variant Classification Sherloc (09022015). Collection method: clinical testing. Allele origin: germline.
Comment: This sequence change replaces glutamic acid, which is acidic and polar, with glycine, which is neutral and non-polar, at codon 858 of the NAA15 protein (p.Glu858Gly). This variant is not present in population databases (gnomAD no frequency). This variant has not been reported in the literature in individuals affected with NAA15-related conditions. ClinVar contains an entry for this variant (Variation ID: 2805364). An algorithm developed to predict the effect of missense changes on protein structure and function (PolyPhen-2) suggests that this variant is likely to be tolerated. In summary, the available evidence is currently insufficient to determine the role of this variant in disease. Therefore, it has been classified as a Variant of Uncertain Significance.